The following is an entry in ClinVar:

NM_006445.4(PRPF8):c.4022+5A>T

Gene: PRPF8 (pre-mRNA processing factor 8; minus strand). Cytogenetic location: 17p13.3.
Variant type: single nucleotide variant.
Coding change: c.4022+5A>T on transcript NM_006445.4 (MANE Select); 5 bases into the intron after coding-DNA position 4022, A replaced by T.
Molecular consequence: intron variant.
Genome position (GRCh38, 1-based): chr17:1,661,901, T>A on the plus strand (A>T on the coding strand, the complement: PRPF8 is on the minus strand). VCF-style: chr17-1661901-T-A. GRCh37 (hg19) VCF-style: chr17-1565195-T-A.
Identifiers: ClinVar variation 3692378 (VCV003692378.2).

ClinVar aggregate classification (germline): Uncertain significance (1 of 4 stars; one submission).

gnomAD v4.1: 3 of 1,614,190 alleles (0.00019%); highest among the groups gnomAD compares: Non-Finnish European, 0.00025%; no homozygotes.

Submission:

Labcorp Genetics (formerly Invitae), Labcorp
Classification: Uncertain significance. Last evaluated: 2024-03-30. Review status: criteria provided, single submitter. Criteria: Invitae Variant Classification Sherloc (09022015). Collection method: clinical testing. Allele origin: germline.
Comment: This sequence change falls in intron 25 of the PRPF8 gene. It does not directly change the encoded amino acid sequence of the PRPF8 protein. It affects a nucleotide within the consensus splice site. This variant is not present in population databases (gnomAD no frequency). This variant has not been reported in the literature in individuals affected with PRPF8-related conditions. Variants that disrupt the consensus splice site are a relatively common cause of aberrant splicing (PMID: 17576681, 9536098). Algorithms developed to predict the effect of sequence changes on RNA splicing suggest that this variant is not likely to affect RNA splicing. In summary, the available evidence is currently insufficient to determine the role of this variant in disease. Therefore, it has been classified as a Variant of Uncertain Significance.

Literature cited by the submitters: PubMed 17576681; PubMed 9536098.